The following is an entry in ClinVar:

NM_001375524.1(TRRAP):c.7320C>T (p.Ser2440=)

Gene: TRRAP (transformation/transcription domain associated protein; plus strand). Cytogenetic location: 7q22.1.
Variant type: single nucleotide variant.
Coding change: c.7320C>T on transcript NM_001375524.1 (MANE Select); coding-DNA position 7320, C replaced by T.
Protein change: p.Ser2440=; no amino-acid change (serine 2440 retained).
Molecular consequence: synonymous variant.
Genome position (GRCh38, 1-based): chr7:98,967,506, C>T. VCF-style: chr7-98967506-C-T. GRCh37 (hg19) VCF-style: chr7-98565129-C-T.
Other names: c.7299C>T, p.Ser2433= (NM_001244580.2); c.7245C>T, p.Ser2415= (NM_003496.4).
Identifiers: ClinVar variation 1937621 (VCV001937621.7), dbSNP rs766510838, ClinGen allele CA4361114.
Genomic context (GRCh38, chr7:98,967,506, plus strand): 5'-GAGTCCATCGTCTTGCCTGTCTCTGACTTGGTGTTACAGGGATGAGACCCTCTCTGGCAG[C>T]GAGCTGACGGCGAAACTTGAGCCTGCCTTTCTCTCTGGGCTGCGCTGTGCCCAGCCACTC-3'
Protein context (NP_001362453.1, residues 2430-2450): YVYRDETLSG[Ser2440=]ELTAKLEPAF

ClinVar aggregate classification (germline): Likely benign. Review status: criteria provided, multiple submitters, no conflicts (2 of 4 stars). 2 submissions from 2 submitters: Likely benign (2). Last evaluated 2026-06-01.

Allele frequency attached by ClinVar (database versions not stated): gnomAD 0.00001; TOPMed 0.00001; gnomAD exomes 0.00002; ExAC 0.00004.
gnomAD v4.1: 30 of 1,613,794 alleles (0.0019%); highest among the groups gnomAD compares: Admixed American, 0.005%; no homozygotes.

Submissions (2):

CeGaT Center for Human Genetics Tuebingen
Classification: Likely benign. Last evaluated: 2026-06-01. Review status: criteria provided, single submitter. Criteria: CeGaT Center For Human Genetics Tuebingen Variant Classification Criteria Version 2. Collection method: clinical testing. Allele origin: germline. Affected: yes. Observed: 1 variant allele.
Comment: TRRAP: BP4, BP7

Labcorp Genetics (formerly Invitae), Labcorp
Classification: Likely benign. Last evaluated: 2022-03-04. Review status: criteria provided, single submitter. Criteria: Invitae Variant Classification Sherloc (09022015). Collection method: clinical testing. Allele origin: germline.